The following is an entry in ClinVar:

NM_000294.3(PHKG2):c.859C>T (p.Gln287Ter)

Gene: PHKG2 (phosphorylase kinase catalytic subunit gamma 2; plus strand). Cytogenetic location: 16p11.2.
Variant type: single nucleotide variant.
Coding change: c.859C>T on transcript NM_000294.3 (MANE Select); coding-DNA position 859, C replaced by T.
Protein change: p.Gln287Ter; replaces glutamine 287 with a stop codon.
Molecular consequence: nonsense.
Genome position (GRCh38, 1-based): chr16:30,756,647, C>T. VCF-style: chr16-30756647-C-T. GRCh37 (hg19) VCF-style: chr16-30767968-C-T.
Other names: c.859C>T, p.Gln287Ter (NM_001172432.2); short protein forms Q287*.
Identifiers: ClinVar variation 3722164 (VCV003722164.2).

ClinVar aggregate classification (germline): Pathogenic (1 of 4 stars; one submission).

Conditions:
Glycogen storage disease IXc (GSD9C). Also called: GSD IXc. Identifiers: Orphanet 264580, MedGen C2751643, MONDO:0013091, OMIM 613027.

gnomAD v4.1: 3 of 1,614,108 alleles (0.00019%); highest among the groups gnomAD compares: East Asian, 0.0022%; no homozygotes.

Submission:

Labcorp Genetics (formerly Invitae), Labcorp
Classification: Pathogenic for Glycogen storage disease IXc. Last evaluated: 2024-01-22. Review status: criteria provided, single submitter. Criteria: Invitae Variant Classification Sherloc (09022015). Collection method: clinical testing. Allele origin: germline.
Comment: This sequence change creates a premature translational stop signal (p.Gln287*) in the PHKG2 gene. It is expected to result in an absent or disrupted protein product. Loss-of-function variants in PHKG2 are known to be pathogenic (PMID: 8896567, 17689125, 21646031). This variant is not present in population databases (gnomAD no frequency). This premature translational stop signal has been observed in individual(s) with glycogen storage disease (PMID: 21646031). For these reasons, this variant has been classified as Pathogenic.

Literature cited by the submitters: PubMed 8896567; PubMed 17689125; PubMed 21646031.